The following is an entry in ClinVar:

ClinVar aggregate classification (germline): Uncertain significance (1 of 4 stars; one submission).

Conditions:
Ullrich congenital muscular dystrophy 2 (UCMD2). Identifiers: Orphanet 75840, MedGen C4225314, MONDO:0014654, OMIM 616470.
Bethlem myopathy 2 (BTHLM2). Identifiers: Orphanet 536516, Orphanet 610, MedGen C4225313, MONDO:0034022, OMIM 616471.

Submission:

Labcorp Genetics (formerly Invitae), Labcorp
Classification: Uncertain significance for Bethlem myopathy 2; Ullrich congenital muscular dystrophy 2. Last evaluated: 2024-04-25. Review status: criteria provided, single submitter. Criteria: Invitae Variant Classification Sherloc (09022015). Collection method: clinical testing. Allele origin: germline.
Comment: This sequence change replaces valine, which is neutral and non-polar, with isoleucine, which is neutral and non-polar, at codon 366 of the COL12A1 protein (p.Val366Ile). This variant is present in population databases (rs767670241, gnomAD 0.004%). This variant has not been reported in the literature in individuals affected with COL12A1-related conditions. Advanced modeling of protein sequence and biophysical properties (such as structural, functional, and spatial information, amino acid conservation, physicochemical variation, residue mobility, and thermodynamic stability) performed at Invitae indicates that this missense variant is not expected to disrupt COL12A1 protein function with a negative predictive value of 80%. In summary, the available evidence is currently insufficient to determine the role of this variant in disease. Therefore, it has been classified as a Variant of Uncertain Significance.

NM_004370.6(COL12A1):c.1096G>A (p.Val366Ile)

Gene: COL12A1 (collagen type XII alpha 1 chain; minus strand). Cytogenetic location: 6q13.
Variant type: single nucleotide variant.
Coding change: c.1096G>A on transcript NM_004370.6 (MANE Select); coding-DNA position 1096, G replaced by A.
Protein change: p.Val366Ile; replaces valine 366 with isoleucine.
Molecular consequence: missense variant. On other transcripts: intron variant (2).
Genome position (GRCh38, 1-based): chr6:75,184,046, C>T on the plus strand (G>A on the coding strand, the complement: COL12A1 is on the minus strand). VCF-style: chr6-75184046-C-T. GRCh37 (hg19) VCF-style: chr6-75893762-C-T.
Other names: c.73+18674G>A (NM_001424116.1, NM_080645.3); c.1096G>A, p.Val366Ile (NM_001424114.1, NM_001424115.1, NM_001424113.1); short protein forms V366I.
Identifiers: ClinVar variation 3754259 (VCV003754259.2).